The following is an entry in ClinVar:

ClinVar aggregate classification (germline): Uncertain significance (1 of 4 stars; one submission).

gnomAD v4.1: 3 of 1,613,800 alleles (0.00019%); highest among the groups gnomAD compares: South Asian, 0.0011%; no homozygotes.

Submission:

GeneDx
Classification: Uncertain significance. Last evaluated: 2025-03-13. Review status: criteria provided, single submitter. Criteria: GeneDx Variant Classification Process June 2021. Collection method: clinical testing. Allele origin: germline. Affected: yes.
Comment: Not observed at significant frequency in large population cohorts (gnomAD); In silico analysis supports that this missense variant has a deleterious effect on protein structure/function; Has not been previously published as pathogenic or benign to our knowledge

NM_000540.3(RYR1):c.5224C>T (p.Arg1742Cys)

Gene: RYR1 (ryanodine receptor 1; plus strand). Cytogenetic location: 19q13.2.
Variant type: single nucleotide variant.
Coding change: c.5224C>T on transcript NM_000540.3 (MANE Select); coding-DNA position 5224, C replaced by T.
Protein change: p.Arg1742Cys; replaces arginine 1742 with cysteine.
Molecular consequence: missense variant.
Genome position (GRCh38, 1-based): chr19:38,485,879, C>T. VCF-style: chr19-38485879-C-T. GRCh37 (hg19) VCF-style: chr19-38976519-C-T.
Other names: c.5224C>T, p.Arg1742Cys (NM_001042723.2); short protein forms R1742C.
Identifiers: ClinVar variation 4083136 (VCV004083136.1).